The following is an entry in ClinVar:

NM_007294.4(BRCA1):c.5531T>C (p.Leu1844Pro)

Gene: BRCA1 (BRCA1 DNA repair associated; minus strand). Cytogenetic location: 17q21.31.
Variant type: single nucleotide variant.
Coding change: c.5531T>C on transcript NM_007294.4 (MANE Select); coding-DNA position 5531, T replaced by C.
Protein change: p.Leu1844Pro; replaces leucine 1844 with proline.
Molecular consequence: missense variant. On other transcripts: 3 prime UTR variant (1), non-coding transcript variant (1).
Genome position (GRCh38, 1-based): chr17:43,045,739, A>G on the plus strand (T>C on the coding strand, the complement: BRCA1 is on the minus strand). VCF-style: chr17-43045739-A-G. GRCh37 (hg19) VCF-style: chr17-41197756-A-G.
Other names: c.5318T>C, p.Leu1773Pro (NM_001407571.1, NM_001407907.1, NM_001407908.1 and 12 more transcripts); c.5597T>C, p.Leu1866Pro (NM_001407581.1, NM_001407582.1); c.5594T>C, p.Leu1865Pro (NM_001407583.1, NM_001407585.1, NM_001407587.1 and 1 more transcripts); c.5591T>C, p.Leu1864Pro (NM_001407590.1, NM_001407591.1); c.5531T>C, p.Leu1844Pro (NM_001407593.1, NM_001407594.1, NM_001407596.1 and 5 more transcripts); c.5528T>C, p.Leu1843Pro (NM_001407613.1, NM_001407614.1, NM_001407615.1 and 14 more transcripts); c.5525T>C, p.Leu1842Pro (NM_001407632.1, NM_001407633.1, NM_001407634.1 and 13 more transcripts); c.5453T>C, p.Leu1818Pro (NM_001407654.1, NM_001407655.1, NM_001407652.1 and 1 more transcripts); and 74 more; short protein forms L1844P, L740P, L1797P, L1865P, L1548P, L1754P, L1755P, L1756P.
Identifiers: ClinVar variation 419732 (VCV000419732.25), dbSNP rs80357323, ClinGen allele CA055255.

ClinVar aggregate classification (germline): Conflicting classifications of pathogenicity. Review status: criteria provided, conflicting classifications (1 of 4 stars). 6 submissions from 6 submitters: Uncertain significance (3); Likely benign (3). Last evaluated 2024-06-12.

Conditions:
Hereditary breast ovarian cancer syndrome. Also called: Hereditary breast and ovarian cancer syndrome (HBOC); BRCA1- and BRCA2-Associated Hereditary Breast and Ovarian Cancer; Hereditary breast and/or ovarian cancer syndrome; Hereditary breast and ovarian cancer syndrome; Hereditary breast and ovarian cancer; Breast and ovarian cancer. Identifiers: Orphanet 145, MedGen C0677776, MeSH D061325, MONDO:0003582. Disease mechanism: loss of function.
Hereditary cancer-predisposing syndrome. Also called: Neoplastic Syndromes, Hereditary; Hereditary neoplastic syndrome; Tumor predisposition; Hereditary Cancer Syndrome. Identifiers: Orphanet 140162, MedGen C0027672, MeSH D009386, MONDO:0015356.
BRCA1-related cancer predisposition. Identifiers: MedGen CN377757, MONDO:0700268.
Breast-ovarian cancer, familial, susceptibility to, 1 (BROVCA1). Also called: BRCA1 Hereditary Breast and Ovarian Cancer; OVARIAN CANCER, SUSCEPTIBILITY TO. Identifiers: Orphanet 145, MedGen C2676676, MONDO:0011450, OMIM 604370. Disease mechanism: loss of function.

Submissions (7):

Labcorp Genetics (formerly Invitae), Labcorp
Classification: Likely benign for Hereditary breast ovarian cancer syndrome. Last evaluated: 2024-06-12. Review status: criteria provided, single submitter. Criteria: Invitae Variant Classification Sherloc (09022015). Collection method: clinical testing. Allele origin: germline.

Lupski Lab, Baylor-Hopkins CMG, Baylor College of Medicine
Classification: Likely benign for Breast-ovarian cancer, familial, susceptibility to, 1. Last evaluated: 2024-04-12. Review status: criteria provided, single submitter. Criteria: Dawood et al. (medRxiv. 2024). Collection method: curation. Allele origin: germline.
Comment: Each variant was annotated with functional scores from MAVE data which was translated into functional evidence codes. All other evidence codes and combining criteria were adhered to as closely as possible based on the ClinGen VCEP (Variant Curation Expert Panel) gene-specific recommendations. See Supplemental Figure 34 of final paper (Supp Fig. 28 in preprint: doi:10.1101/2024.04.11.24305690) for a table to see which lines of evidence we did not have data for. The ClinGen VCEPs are highly regarded as the gold-standard for gene-specific variant curation and are developed after extensive evaluation of the evidence by clinical and scientific experts for the particular gene to classify genomic variants on a spectrum from pathogenic to benign using the 2015 ACMG/AMP Variant Interpretation Guidelines as a backbone (PMID: 25741868). Reclassification of these VUS variants from gnomAD or All of Us focused only on variants originally prescribed as VUS in ClinVar. To ensure reproducibility, transparency, and increased throughput, all the procedures for annotating variants and assigning evidence codes were codified using Python. All code has been made freely available and is linked in the Code Availability section and all reclassified variants with evidence codes used can be found in Tables S18-19 (preprint: doi:10.1101/2024.04.11.24305690). For the MAVE data, the clinical curation and clinical strength assignment as per the ClinGen recommendations in Brnich et al. (2020) (PMID: 31892348) for or against pathogenicity or benignity of each of these MAVE datasets utilized in this study were previously published in Fayer et al. (2021) (PMID: 34793697).In brief, for BRCA1 variants, if a variant was categorized as FUNC (functional), it was assigned BS3 evidence and no PS3 evidence, whereas if it was categorized as LOF (loss of function), the variant was assigned PS3 evidence and no BS3 evidence. Variants categorized as INT (intermediate) were left unannotated. For the BRCA1 combining criteria, greater than or equal to 1 criteria of strong benign evidence was enough to reclassify the VUS as Likely Benign. This variant GRCh38:17:43045739:A>G was assigned evidence codes ['BS3'] and an overall classification of Likely benign

All of Us Research Program, National Institutes of Health
Classification: Uncertain significance for BRCA1-related cancer predisposition. Last evaluated: 2024-03-14. Review status: criteria provided, single submitter. Criteria: ACMG Guidelines, 2015. Collection method: clinical testing. Allele origin: germline. Inheritance: Autosomal dominant inheritance. Observed: 1 variant allele, 1 heterozygote.
Comment: This missense variant replaces leucine with proline at codon 1844 of the BRCA1 protein. Computational prediction suggests that this variant may have deleterious impact on protein structure and function (internally defined REVEL score threshold >= 0.7, PMID: 27666373). Functional studies have reported this variant has no impact on BRCA1 function in a homology-directed repair assay (PMID: 30257991), a human haploid cell proliferation assay (PMID: 30219179), a transcription activation assay in human HEK293T cells (PMID: 24845084, 28781887) and additional assays (PMID: 30257991). This variant has been observed in an individual affected with breast cancer and a suspected at-risk individual for breast and ovarian cancer (PMID: 31954625; Color internal data). This variant has been identified in 2/250824 chromosomes in the general population by the Genome Aggregation Database (gnomAD). The available evidence is insufficient to determine the role of this variant in disease conclusively. Therefore, this variant is classified as a Variant of Uncertain Significance.

This study involves interpretation of variants in research participants for the purpose of population health screening. Participant phenotype was not available at the time of variant classification. Additional details can be found in publication PMID: 35346344, PMCID: PMC8962531

Color Diagnostics, LLC DBA Color Health
Classification: Uncertain significance for Hereditary cancer-predisposing syndrome. Last evaluated: 2024-01-30. Review status: criteria provided, single submitter. Criteria: ACMG Guidelines, 2015. Collection method: clinical testing. Allele origin: germline.
Comment: This missense variant replaces leucine with proline at codon 1844 of the BRCA1 protein. Computational prediction suggests that this variant may have deleterious impact on protein structure and function. Functional studies have reported this variant has no impact on BRCA1 function in a homology-directed repair assay (PMID: 30257991), a human haploid cell proliferation assay (PMID: 30219179), a transcription activation assay in human HEK293T cells (PMID: 24845084, 28781887) and additional assays (PMID: 30257991). This variant has been observed in an individual affected with breast cancer and a suspected at-risk individual for breast and ovarian cancer (PMID: 31954625; Color internal data). This variant has been identified in 2/250824 chromosomes in the general population by the Genome Aggregation Database (gnomAD). The available evidence is insufficient to determine the role of this variant in disease conclusively. Therefore, this variant is classified as a Variant of Uncertain Significance.

Ambry Genetics
Classification: Likely benign for Hereditary cancer-predisposing syndrome. Last evaluated: 2022-12-12. Review status: criteria provided, single submitter. Criteria: Ambry Variant Classification Scheme 2023. Collection method: clinical testing. Allele origin: germline.

GeneDx
Classification: Uncertain significance. Last evaluated: 2015-08-18. Review status: criteria provided, single submitter. Criteria: GeneDx Variant Classification (06012015). Collection method: clinical testing. Allele origin: germline. Affected: yes.
Comment: This variant is denoted BRCA1 c.5531T>C at the cDNA level, p.Leu1844Pro (L1844P) at the protein level, and results in the change of a Leucine to a Proline (CTC>CCC). Using alternate nomenclature, this variant would be defined as BRCA1 5650T>C. One functional study demonstrated reduced transcriptional activity compared to wild-type but significantly higher than that of mutant controls, leading the authors to classify BRCA1 Leu1844Pro as uncertain (Carvalho 2014). BRCA1 Leu1844Pro was not observed in approximately 6,500 individuals of European and African American ancestry in the NHLBI Exome Sequencing Project, indicating it is not a common benign variant in these populations. Since Leucine and Proline differ in some properties, this is considered a semi-conservative amino acid substitution. BRCA1 Leu1844Pro occurs at a position that is not conserved and is located in the BRCT 2 domain (UniProt). In silico analyses predict that this variant is probably damaging to protein structure and function. Based on currently available information, it is unclear whether BRCA1 Leu1844Pro is pathogenic or benign. We consider it to be a variant of uncertain significance.

Brotman Baty Institute, University of Washington
No classification provided (evidence only). Condition: Breast-ovarian cancer, familial 1. Review status: no classification provided. Collection method: in vitro. Allele origin: not applicable. Functional consequence: functionally_normal. Not counted in ClinVar's aggregate classification.
ClinVar note: "not provided" was previously submitted as the classification for the variant. However, the classification appeared to be based only on an observation of functional data so it was converted to no classification on 2025-07-30.

Literature cited by the submitters: PubMed 39142283 (cited by Lupski Lab, Baylor-Hopkins CMG, Baylor College of Medicine); PubMed 34793697 (cited by Lupski Lab, Baylor-Hopkins CMG, Baylor College of Medicine); DOI 10.1101/2024.04.11.24305690 (cited by Lupski Lab, Baylor-Hopkins CMG, Baylor College of Medicine); PubMed 24845084 (cited by 3 submitters); PubMed 28781887 (cited by 3 submitters); PubMed 30219179 (cited by All of Us Research Program, National Institutes of Health and Color Diagnostics, LLC DBA Color Health); PubMed 30257991 (cited by All of Us Research Program, National Institutes of Health and Color Diagnostics, LLC DBA Color Health); PubMed 31954625 (cited by 3 submitters); PubMed 30209399 (cited by Ambry Genetics).